The following is an entry in ClinVar:

NM_006031.6(PCNT):c.8591A>G (p.Glu2864Gly)

Gene: PCNT (pericentrin; plus strand). Cytogenetic location: 21q22.3.
Variant type: single nucleotide variant.
Coding change: c.8591A>G on transcript NM_006031.6 (MANE Select); coding-DNA position 8591, A replaced by G.
Protein change: p.Glu2864Gly; replaces glutamic acid 2864 with glycine.
Molecular consequence: missense variant. On other transcripts: intron variant (1).
Genome position (GRCh38, 1-based): chr21:46,432,055, A>G. VCF-style: chr21-46432055-A-G. GRCh37 (hg19) VCF-style: chr21-47851969-A-G.
Other names: c.8160+77A>G (NM_001315529.2); c.8591A>G (NM_006031.5); short protein forms E2864G.
Identifiers: ClinVar variation 2425041 (VCV002425041.11), dbSNP rs370209525, ClinGen allele CA322016980.

ClinVar aggregate classification (germline): Uncertain significance. Review status: criteria provided, multiple submitters, no conflicts (2 of 4 stars). 4 submissions from 4 submitters: Uncertain significance (4). Last evaluated 2026-07-24.

Conditions:
Microcephalic osteodysplastic primordial dwarfism type II (MOPD2). Also called: MOPD II; OSTEODYSPLASTIC PRIMORDIAL DWARFISM, TYPE II; Microcephalic osteodysplastic primordial dwarfism with tooth abnormalities. Identifiers: Orphanet 2637, MedGen C0432246, MONDO:0008872, OMIM 210720.
PCNT-related disorder. Also called: PCNT-related condition.

Allele frequency attached by ClinVar (database versions not stated): gnomAD exomes 0.00001; ESP Exome Variant Server 0.00008; gnomAD 0.00008; TOPMed 0.00011.
gnomAD v4.1: 26 of 1,614,022 alleles (0.0016%); highest among the groups gnomAD compares: African/African-American, 0.029%; no homozygotes.

Submissions (4):

PreventionGenetics, part of Exact Sciences
Classification: Uncertain significance for PCNT-related condition. Last evaluated: 2026-07-24. Review status: criteria provided, single submitter. Criteria: ACMG Guidelines, 2015. Collection method: clinical testing. Allele origin: germline.
Comment: The PCNT c.8591A>G variant is predicted to result in the amino acid substitution p.Glu2864Gly. To our knowledge, this variant has not been reported in the literature. This variant is reported in 0.028% of alleles in individuals of African descent in gnomAD. At this time, the clinical significance of this variant is uncertain due to the absence of conclusive functional and genetic evidence.

Women's Health and Genetics/Laboratory Corporation of America, LabCorp
Classification: Uncertain significance. Last evaluated: 2024-06-12. Review status: criteria provided, single submitter. Criteria: LabCorp Variant Classification Summary - May 2015. Collection method: clinical testing. Allele origin: germline.

Labcorp Genetics (formerly Invitae), Labcorp
Classification: Uncertain significance. Last evaluated: 2022-02-24. Review status: criteria provided, single submitter. Criteria: Invitae Variant Classification Sherloc (09022015). Collection method: clinical testing. Allele origin: germline.
Comment: This sequence change replaces glutamic acid, which is acidic and polar, with glycine, which is neutral and non-polar, at codon 2864 of the PCNT protein (p.Glu2864Gly). This variant is present in population databases (rs370209525, gnomAD 0.03%). This variant has not been reported in the literature in individuals affected with PCNT-related conditions. Algorithms developed to predict the effect of missense changes on protein structure and function output the following: SIFT: "Deleterious"; PolyPhen-2: "Possibly Damaging"; Align-GVGD: "Class C0". The glycine amino acid residue is found in multiple mammalian species, which suggests that this missense change does not adversely affect protein function. In summary, the available evidence is currently insufficient to determine the role of this variant in disease. Therefore, it has been classified as a Variant of Uncertain Significance.

Revvity Omics, Revvity
Classification: Uncertain significance for Microcephalic osteodysplastic primordial dwarfism type II. Last evaluated: 2021-08-13. Review status: criteria provided, single submitter. Criteria: ACMG Guidelines, 2015. Collection method: clinical testing. Allele origin: germline.